The following is an entry in ClinVar:

NM_031844.3(HNRNPU):c.249_254del (p.Asp83_Glu84del)

Gene: HNRNPU (heterogeneous nuclear ribonucleoprotein U; minus strand). Cytogenetic location: 1q44.
Variant type: Deletion.
Coding change: c.249_254del on transcript NM_031844.3 (MANE Select); coding-DNA positions 249 to 254, 6 bases deleted (TGAAGA; older notation c.249_254delTGAAGA).
Protein change: p.Asp83_Glu84del.
Molecular consequence: inframe deletion.
Genome position (GRCh38, 1-based): chr1:244,864,054-244,864,059, TCTTCA deleted on the plus strand (TGAAGA on the coding strand, the reverse complement: HNRNPU is on the minus strand); deleting any 6 consecutive bases within chr1:244,864,054-244,864,061 gives the same sequence; the c. name uses the placement nearest the transcript's 3' end. VCF-style (leftmost placement, unchanged base first): chr1-244864053-CTCTTCA-C. GRCh37 (hg19) VCF-style: chr1-245027355-CTCTTCA-C.
Other names: c.249_254del, p.Asp83_Glu84del (NM_004501.3).
Identifiers: ClinVar variation 2852963 (VCV002852963.3), dbSNP rs1380445501, ClinGen allele CA530379953.

ClinVar aggregate classification (germline): Uncertain significance (1 of 4 stars; one submission).

Conditions:
Developmental and epileptic encephalopathy, 54. Also called: Epileptic encephalopathy, early infantile, 54; HNRNPU-Related Neurodevelopmental Disorder. Identifiers: MedGen C4479319, MONDO:0033363, OMIM 617391.

Submission:

Labcorp Genetics (formerly Invitae), Labcorp
Classification: Uncertain significance for Developmental and epileptic encephalopathy, 54. Last evaluated: 2023-03-20. Review status: criteria provided, single submitter. Criteria: Invitae Variant Classification Sherloc (09022015). Collection method: clinical testing. Allele origin: germline.
Comment: This variant, c.249_254del, results in the deletion of 2 amino acid(s) of the HNRNPU protein (p.Asp83_Glu84del), but otherwise preserves the integrity of the reading frame. This variant is present in population databases (no rsID available, gnomAD 0.01%). This variant has not been reported in the literature in individuals affected with HNRNPU-related conditions. Experimental studies and prediction algorithms are not available or were not evaluated, and the functional significance of this variant is currently unknown. In summary, the available evidence is currently insufficient to determine the role of this variant in disease. Therefore, it has been classified as a Variant of Uncertain Significance.